The following is an entry in ClinVar:

NM_001012339.3(DNAJC21):c.990G>T (p.Lys330Asn)

Gene: DNAJC21 (DnaJ heat shock protein family (Hsp40) member C21; plus strand). Cytogenetic location: 5p13.2.
Variant type: single nucleotide variant.
Coding change: c.990G>T on transcript NM_001012339.3 (MANE Select); coding-DNA position 990, G replaced by T.
Protein change: p.Lys330Asn; replaces lysine 330 with asparagine.
Molecular consequence: missense variant.
Genome position (GRCh38, 1-based): chr5:34,944,873, G>T. VCF-style: chr5-34944873-G-T. GRCh37 (hg19) VCF-style: chr5-34944978-G-T.
Other names: c.990G>T, p.Lys330Asn (NM_001348420.2, NM_194283.4); c.990G>T (NM_194283.3); short protein forms K330N.
Identifiers: ClinVar variation 1055845 (VCV001055845.3), dbSNP rs140649442, ClinGen allele CA3228672.

ClinVar aggregate classification (germline): Uncertain significance. Review status: criteria provided, multiple submitters, no conflicts (2 of 4 stars). 2 submissions from 2 submitters: Uncertain significance (2). Last evaluated 2023-02-23.

Conditions:
Inborn genetic diseases. Identifiers: MedGen C0950123, MeSH D030342.

Allele frequency attached by ClinVar (database versions not stated): gnomAD 0.00004; ESP Exome Variant Server 0.00008.
gnomAD v4.1: 59 of 1,613,982 alleles (0.0037%); highest among the groups gnomAD compares: Admixed American, 0.005%; no homozygotes.

Submissions (2):

Ambry Genetics
Classification: Uncertain significance for Inborn genetic diseases. Last evaluated: 2023-02-23. Review status: criteria provided, single submitter. Criteria: Ambry Variant Classification Scheme 2023. Collection method: clinical testing. Allele origin: germline.

Labcorp Genetics (formerly Invitae), Labcorp
Classification: Uncertain significance. Last evaluated: 2022-09-07. Review status: criteria provided, single submitter. Criteria: Invitae Variant Classification Sherloc (09022015). Collection method: clinical testing. Allele origin: germline.
Comment: This sequence change replaces lysine, which is basic and polar, with asparagine, which is neutral and polar, at codon 330 of the DNAJC21 protein (p.Lys330Asn). This variant is present in population databases (rs140649442, gnomAD 0.1%). This variant has not been reported in the literature in individuals affected with DNAJC21-related conditions. ClinVar contains an entry for this variant (Variation ID: 1055845). Algorithms developed to predict the effect of missense changes on protein structure and function are either unavailable or do not agree on the potential impact of this missense change (SIFT: "Tolerated"; PolyPhen-2: "Possibly Damaging"; Align-GVGD: "Class C0"). Algorithms developed to predict the effect of sequence changes on RNA splicing suggest that this variant may disrupt the consensus splice site. In summary, the available evidence is currently insufficient to determine the role of this variant in disease. Therefore, it has been classified as a Variant of Uncertain Significance.